The following is an entry in ClinVar:

NM_015629.4(PRPF31):c.1126_1129dup (p.Arg377fs)

Gene: PRPF31 (pre-mRNA processing factor 31; plus strand). Cytogenetic location: 19q13.42.
Variant type: Duplication.
Coding change: c.1126_1129dup on transcript NM_015629.4 (MANE Select); coding-DNA positions 1126 to 1129, 4 bases duplicated (AACC; older notation c.1126_1129dupAACC).
Protein change: p.Arg377fs; shifts the reading frame from arginine 377.
Molecular consequence: frameshift variant.
Genome position (GRCh38, 1-based): chr19:54,128,357-54,128,360, AACC duplicated; duplicating any 4 consecutive bases within chr19:54,128,355-54,128,360 gives the same sequence; the c. name uses the placement nearest the transcript's 3' end. VCF-style (leftmost placement, unchanged base first): chr19-54128354-G-GCCAA. GRCh37 (hg19) VCF-style: chr19-54631729-G-GCCAA.
Other names: short protein forms R377fs.
Identifiers: ClinVar variation 1184921 (VCV001184921.16), dbSNP rs2146445865, ClinGen allele CA2499225596.

ClinVar aggregate classification (germline): Pathogenic/Likely pathogenic. Review status: criteria provided, multiple submitters, no conflicts (2 of 4 stars). 3 submissions from 3 submitters: Pathogenic (1); Likely pathogenic (1). 1 of the submissions does not count toward it. Last evaluated 2024-09-01.

Conditions:
Retinal dystrophy. Also called: Inherited retinal dystrophy. Identifiers: Orphanet 71862, MedGen C0854723, MeSH D058499, MONDO:0019118, HP:0000556.

Submissions (3):

CeGaT Center for Human Genetics Tuebingen
Classification: Pathogenic. Last evaluated: 2024-09-01. Review status: criteria provided, single submitter. Criteria: CeGaT Center For Human Genetics Tuebingen Variant Classification Criteria Version 2. Collection method: clinical testing. Allele origin: germline. Affected: yes. Observed: 1 variant allele.
Comment: PRPF31: PVS1, PP1:Strong, PM2, PS4:Supporting

Institute of Medical Genetics and Applied Genomics, University Hospital Tübingen
Classification: Likely pathogenic. Last evaluated: 2021-06-17. Review status: criteria provided, single submitter. Criteria: ACMG Guidelines, 2015. Collection method: clinical testing. Allele origin: germline. Inheritance: Autosomal dominant inheritance. Affected: yes.

Institute of Human Genetics, Univ. Regensburg, Univ. Regensburg
Classification: Pathogenic for Retinal dystrophy. Last evaluated: 2017-01-01. Review status: no assertion criteria provided. Criteria: ACMG Guidelines, 2015. Collection method: clinical testing. Allele origin: germline. Affected: yes. Not counted in ClinVar's aggregate classification.